The following is an entry in ClinVar:

ClinVar aggregate classification (germline): Conflicting classifications of pathogenicity. Review status: criteria provided, conflicting classifications (1 of 4 stars). 4 submissions from 4 submitters: Uncertain significance (1); Likely benign (2). 1 of the submissions does not count toward it. Last evaluated 2025-04-18.

Allele frequency attached by ClinVar (database versions not stated): gnomAD 0.00004; TOPMed 0.00016; ExAC 0.00022; gnomAD exomes 0.00010 and 0.00022; 1000 Genomes Project 30x 0.00016; 1000 Genomes Project 0.00020.

Submissions (4):

Athena Diagnostics
Classification: Likely benign. Last evaluated: 2025-04-18. Review status: criteria provided, single submitter. Criteria: Athena Diagnostics Criteria. Collection method: clinical testing. Allele origin: unknown.
Comment: The frequency of this variant in the general population is higher than would generally be expected for pathogenic variants in this gene. Computational tools predict this amino acid change may be benign.

Labcorp Genetics (formerly Invitae), Labcorp
Classification: Uncertain significance. Last evaluated: 2022-07-19. Review status: criteria provided, single submitter. Criteria: Invitae Variant Classification Sherloc (09022015). Collection method: clinical testing. Allele origin: germline.
Comment: This sequence change replaces serine, which is neutral and polar, with threonine, which is neutral and polar, at codon 311 of the ASPM protein (p.Ser311Thr). This variant is present in population databases (rs202012380, gnomAD 0.2%). This variant has not been reported in the literature in individuals affected with ASPM-related conditions. ClinVar contains an entry for this variant (Variation ID: 157910). Algorithms developed to predict the effect of missense changes on protein structure and function output the following: SIFT: "Tolerated"; PolyPhen-2: "Benign"; Align-GVGD: "Class C0". The threonine amino acid residue is found in multiple mammalian species, which suggests that this missense change does not adversely affect protein function. In summary, the available evidence is currently insufficient to determine the role of this variant in disease. Therefore, it has been classified as a Variant of Uncertain Significance.

GeneDx
Classification: Likely benign. Last evaluated: 2017-01-26. Review status: criteria provided, single submitter. Criteria: GeneDx Variant Classification (06012015). Collection method: clinical testing. Allele origin: germline. Affected: yes.
Comment: This variant is considered likely benign or benign based on one or more of the following criteria: it is a conservative change, it occurs at a poorly conserved position in the protein, it is predicted to be benign by multiple in silico algorithms, and/or has population frequency not consistent with disease.

Genetic Services Laboratory, University of Chicago
Classification: Likely benign. Review status: no assertion criteria provided. Collection method: clinical testing. Allele origin: germline. Inheritance: Autosomal recessive inheritance. Not counted in ClinVar's aggregate classification.
Comment: Likely benign based on allele frequency in 1000 Genomes Project or ESP global frequency and its presence in a patient with a rare or unrelated disease phenotype. NOT Sanger confirmed

NM_018136.5(ASPM):c.932G>C (p.Ser311Thr)

Gene: ASPM (assembly factor for spindle microtubules; minus strand). Cytogenetic location: 1q31.3.
Variant type: single nucleotide variant.
Coding change: c.932G>C on transcript NM_018136.5 (MANE Select); coding-DNA position 932, G replaced by C.
Protein change: p.Ser311Thr; replaces serine 311 with threonine.
Molecular consequence: missense variant.
Genome position (GRCh38, 1-based): chr1:197,143,320, C>G on the plus strand (G>C on the coding strand, the complement: ASPM is on the minus strand). VCF-style: chr1-197143320-C-G. GRCh37 (hg19) VCF-style: chr1-197112450-C-G.
Other names: c.932G>C, p.Ser311Thr (NM_001206846.2); short protein forms S311T.
Identifiers: ClinVar variation 157910 (VCV000157910.11), dbSNP rs202012380, ClinGen allele CA171277.